The following is an entry in ClinVar:

ClinVar aggregate classification (germline): Benign/Likely benign. Review status: criteria provided, multiple submitters, no conflicts (2 of 4 stars). 5 submissions from 5 submitters: Benign (1); Likely benign (3). 1 of the submissions does not count toward it. Last evaluated 2025-08-18.

Conditions:
Inborn genetic diseases. Identifiers: MedGen C0950123, MeSH D030342.
NSD2-related disorder. Also called: NSD2 related disorders; NSD2-related condition.

Allele frequency attached by ClinVar (database versions not stated): gnomAD exomes 0.00025; ExAC 0.00033; gnomAD 0.00096 and 0.00100; TOPMed 0.00100; ESP Exome Variant Server 0.00138; 1000 Genomes Project 30x 0.00156; 1000 Genomes Project 0.00160.
gnomAD v4.1: 374 of 1,614,090 alleles (0.023%); highest among the groups gnomAD compares: African/African-American, 0.32%; 1 homozygote.

Submissions (5):

Labcorp Genetics (formerly Invitae), Labcorp
Classification: Likely benign. Last evaluated: 2025-08-18. Review status: criteria provided, single submitter. Criteria: Invitae Variant Classification Sherloc (09022015). Collection method: clinical testing. Allele origin: germline.

Ambry Genetics
Classification: Likely benign for Inborn genetic diseases. Last evaluated: 2025-03-01. Review status: criteria provided, single submitter. Criteria: Ambry Variant Classification Scheme 2023. Collection method: clinical testing. Allele origin: germline.

CeGaT Center for Human Genetics Tuebingen
Classification: Benign. Last evaluated: 2022-12-01. Review status: criteria provided, single submitter. Criteria: CeGaT Center For Human Genetics Tuebingen Variant Classification Criteria Version 2. Collection method: clinical testing. Allele origin: germline. Affected: yes. Observed: 1 variant allele.
Comment: NSD2: PP2, BP4, BS1, BS2

Breakthrough Genomics
Classification: Likely benign. Review status: criteria provided, single submitter. Criteria: ACMG Guidelines, 2015. Collection method: not provided. Allele origin: germline. Inheritance: Autosomal dominant inheritance. Affected: yes.

PreventionGenetics, part of Exact Sciences
Classification: Likely benign for NSD2-related condition. Last evaluated: 2024-02-25. Review status: no assertion criteria provided. Collection method: clinical testing. Allele origin: germline. Not counted in ClinVar's aggregate classification.
Comment: This variant is classified as likely benign based on ACMG/AMP sequence variant interpretation guidelines (Richards et al. 2015 PMID: 25741868, with internal and published modifications).

NM_001042424.3(NSD2):c.2419G>A (p.Ala807Thr)

Gene: NSD2 (nuclear receptor binding SET domain protein 2; plus strand). Cytogenetic location: 4p16.3.
Variant type: single nucleotide variant.
Coding change: c.2419G>A on transcript NM_001042424.3 (MANE Select); coding-DNA position 2419, G replaced by A.
Protein change: p.Ala807Thr; replaces alanine 807 with threonine.
Molecular consequence: missense variant.
Genome position (GRCh38, 1-based): chr4:1,955,241, G>A. VCF-style: chr4-1955241-G-A. GRCh37 (hg19) VCF-style: chr4-1956968-G-A.
Other names: c.2419G>A, p.Ala807Thr (NM_133330.3, NM_133331.3, NM_133335.4); c.2419G>A (NM_001042424.2); short protein forms A807T.
Identifiers: ClinVar variation 734040 (VCV000734040.36), dbSNP rs143360610, ClinGen allele CA2812467.